The following is an entry in ClinVar:

ClinVar aggregate classification (germline): Uncertain significance (1 of 4 stars; one submission).

gnomAD v4.1: 1 of 1,505,476 alleles (0.000066%); highest among the groups gnomAD compares: Non-Finnish European, 0.000092%; no homozygotes.

Submission:

Women's Health and Genetics/Laboratory Corporation of America, LabCorp
Classification: Uncertain significance. Last evaluated: 2025-10-14. Review status: criteria provided, single submitter. Criteria: LabCorp Variant Classification Summary - May 2015. Collection method: clinical testing. Allele origin: germline.
Comment: Variant summary: COL5A2 c.336+4A>G alters a nucleotide located close to a canonical splice site and therefore could affect mRNA splicing, leading to a significantly altered protein sequence. Consensus agreement among computation tools predict no significant impact on normal splicing. However, these predictions have yet to be confirmed by functional studies. The variant was absent in 250634 control chromosomes. The available data on variant occurrences in the general population are insufficient to allow any conclusion about variant significance. To our knowledge, no occurrence of c.336+4A>G in individuals affected with COL5A2-related conditions and no experimental evidence demonstrating its impact on protein function have been reported. No submitters have cited clinical-significance assessments for this variant to ClinVar. Based on the evidence outlined above, the variant was classified as uncertain significance.

NM_000393.5(COL5A2):c.336+4A>G

Gene: COL5A2 (collagen type V alpha 2 chain; minus strand). Cytogenetic location: 2q32.2.
Variant type: single nucleotide variant.
Coding change: c.336+4A>G on transcript NM_000393.5 (MANE Select); 4 bases into the intron after coding-DNA position 336, A replaced by G.
Molecular consequence: intron variant.
Genome position (GRCh38, 1-based): chr2:189,104,260, T>C on the plus strand (A>G on the coding strand, the complement: COL5A2 is on the minus strand). VCF-style: chr2-189104260-T-C. GRCh37 (hg19) VCF-style: chr2-189968986-T-C.
Identifiers: ClinVar variation 4687311 (VCV004687311.1).